The following is an entry in ClinVar:

NM_001004334.4(GPR179):c.4940C>T (p.Ala1647Val)

Gene: GPR179 (G protein-coupled receptor 179; minus strand). Cytogenetic location: 17q12.
Variant type: single nucleotide variant.
Coding change: c.4940C>T on transcript NM_001004334.4 (MANE Select); coding-DNA position 4940, C replaced by T.
Protein change: p.Ala1647Val; replaces alanine 1647 with valine.
Molecular consequence: missense variant.
Genome position (GRCh38, 1-based): chr17:38,328,629, G>A on the plus strand (C>T on the coding strand, the complement: GPR179 is on the minus strand). VCF-style: chr17-38328629-G-A. GRCh37 (hg19) VCF-style: chr17-36484512-G-A.
Other names: short protein forms A1647V.
Identifiers: ClinVar variation 1490408 (VCV001490408.6), dbSNP rs747292761, ClinGen allele CA290103836.
Genomic context (GRCh38, chr17:38,328,629, plus strand): 5'-TCTTGAGGACGTGGTTGTGGGGAGAAGCTGCCAGGGTCCACACTCTCCCAGGGGCCGACC[G>A]CTTCTTGCTTTTGGATCTGCCCCTCAGGCTTTTCCCAAGCTGTGACATCTTCGATTTCCG-3'
Protein context (NP_001004334.3, residues 1637-1657): KPEGQIQKQE[Ala1647Val]VGPWESVDPG

ClinVar aggregate classification (germline): Uncertain significance (1 of 4 stars; one submission).

Allele frequency attached by ClinVar (database versions not stated): gnomAD exomes below 0.00001 and 0.00001; TOPMed below 0.00001; ExAC 0.00001; gnomAD 0.00002.
gnomAD v4.1: 7 of 1,614,000 alleles (0.00043%); highest among the groups gnomAD compares: East Asian, 0.0022%; no homozygotes.

Submission:

Labcorp Genetics (formerly Invitae), Labcorp
Classification: Uncertain significance. Last evaluated: 2022-07-11. Review status: criteria provided, single submitter. Criteria: Invitae Variant Classification Sherloc (09022015). Collection method: clinical testing. Allele origin: germline.
Comment: This sequence change replaces alanine, which is neutral and non-polar, with valine, which is neutral and non-polar, at codon 1647 of the GPR179 protein (p.Ala1647Val). This variant is present in population databases (rs747292761, gnomAD 0.003%). In summary, the available evidence is currently insufficient to determine the role of this variant in disease. Therefore, it has been classified as a Variant of Uncertain Significance. Algorithms developed to predict the effect of missense changes on protein structure and function output the following: SIFT: "Deleterious"; PolyPhen-2: "Benign"; Align-GVGD: "Class C0". The valine amino acid residue is found in multiple mammalian species, which suggests that this missense change does not adversely affect protein function. ClinVar contains an entry for this variant (Variation ID: 1490408). This variant has not been reported in the literature in individuals affected with GPR179-related conditions.